The following is an entry in ClinVar:

NM_001364905.1(LRBA):c.3121G>A (p.Glu1041Lys)

Gene: LRBA (LPS responsive beige-like anchor protein; minus strand). Cytogenetic location: 4q31.3.
Variant type: single nucleotide variant.
Coding change: c.3121G>A on transcript NM_001364905.1 (MANE Select); coding-DNA position 3121, G replaced by A.
Protein change: p.Glu1041Lys; replaces glutamic acid 1041 with lysine.
Molecular consequence: missense variant.
Genome position (GRCh38, 1-based): chr4:150,852,589, C>T on the plus strand (G>A on the coding strand, the complement: LRBA is on the minus strand). VCF-style: chr4-150852589-C-T. GRCh37 (hg19) VCF-style: chr4-151773741-C-T.
Other names: c.3121G>A, p.Glu1041Lys (NM_001199282.3, NM_001367550.1, NM_006726.5); short protein forms E1041K.
Identifiers: ClinVar variation 1474555 (VCV001474555.6), dbSNP rs2126922731, ClinGen allele CA358459488.

ClinVar aggregate classification (germline): Uncertain significance (1 of 4 stars; one submission).

Conditions:
Combined immunodeficiency due to LRBA deficiency. Also called: Common variable immunodeficiency 8, with autoimmunity. Identifiers: Orphanet 445018, MedGen C3553512, MONDO:0013863, OMIM 614700.

Allele frequency attached by ClinVar (database versions not stated): gnomAD exomes below 0.00001.
gnomAD v4.1: 2 of 1,614,022 alleles (0.00012%); highest among the groups gnomAD compares: Non-Finnish European, 0.000085%; no homozygotes.

Submission:

Labcorp Genetics (formerly Invitae), Labcorp
Classification: Uncertain significance for Combined immunodeficiency due to LRBA deficiency. Last evaluated: 2021-09-21. Review status: criteria provided, single submitter. Criteria: Invitae Variant Classification Sherloc (09022015). Collection method: clinical testing. Allele origin: germline.
Comment: This sequence change replaces glutamic acid with lysine at codon 1041 of the LRBA protein (p.Glu1041Lys). The glutamic acid residue is weakly conserved and there is a small physicochemical difference between glutamic acid and lysine. This variant is not present in population databases (ExAC no frequency). This variant has not been reported in the literature in individuals affected with LRBA-related conditions. Algorithms developed to predict the effect of missense changes on protein structure and function output the following: SIFT: "Tolerated"; PolyPhen-2: "Benign"; Align-GVGD: "Class C0". The lysine amino acid residue is found in multiple mammalian species, which suggests that this missense change does not adversely affect protein function. In summary, the available evidence is currently insufficient to determine the role of this variant in disease. Therefore, it has been classified as a Variant of Uncertain Significance.